The following is an entry in ClinVar:

NM_173354.5(SIK1):c.953A>C (p.Asp318Ala)

Gene: SIK1 (salt inducible kinase 1; minus strand). Cytogenetic location: 21q22.3.
Variant type: single nucleotide variant.
Coding change: c.953A>C on transcript NM_173354.5 (MANE Select); coding-DNA position 953, A replaced by C.
Protein change: p.Asp318Ala; replaces aspartic acid 318 with alanine.
Molecular consequence: missense variant.
Genome position (GRCh38, 1-based): chr21:43,420,253, T>G on the plus strand (A>C on the coding strand, the complement: SIK1 is on the minus strand). VCF-style: chr21-43420253-T-G. GRCh37 (hg19) VCF-style: chr21-44840133-T-G.
Other names: short protein forms D318A.
Identifiers: ClinVar variation 964601 (VCV000964601.10), dbSNP rs2081050811, ClinGen allele CA410609064.
Genomic context (GRCh38, chr21:43,420,253, plus strand): 5'-GCCCCTGCGGGTGAGGCCAGGGCAAGTGTGGCCAGGCTCACCTCCACCGTCCTCTGCCGG[T>G]CCACGCCCAGGGTCTGCATGATACCCAGCGCCTGCTCATCGTAGTCGCCCAGGTTGGAGG-3'
Protein context (NP_775490.2, residues 308-328): ALGIMQTLGV[Asp318Ala]RQRTVESLQN

ClinVar aggregate classification (germline): Uncertain significance (1 of 4 stars; one submission).

Conditions:
Developmental and epileptic encephalopathy, 30 (DEE30). Also called: Epileptic encephalopathy, early infantile, 30. Identifiers: MedGen C4225360, MONDO:0014595, OMIM 616341.

Submission:

Labcorp Genetics (formerly Invitae), Labcorp
Classification: Uncertain significance for Developmental and epileptic encephalopathy, 30. Last evaluated: 2022-12-02. Review status: criteria provided, single submitter. Criteria: Invitae Variant Classification Sherloc (09022015). Collection method: clinical testing. Allele origin: germline.
Comment: In summary, the available evidence is currently insufficient to determine the role of this variant in disease. Therefore, it has been classified as a Variant of Uncertain Significance. Advanced modeling of protein sequence and biophysical properties (such as structural, functional, and spatial information, amino acid conservation, physicochemical variation, residue mobility, and thermodynamic stability) performed at Invitae indicates that this missense variant is not expected to disrupt SIK1 protein function. ClinVar contains an entry for this variant (Variation ID: 964601). This variant has not been reported in the literature in individuals affected with SIK1-related conditions. This variant is not present in population databases (gnomAD no frequency). This sequence change replaces aspartic acid, which is acidic and polar, with alanine, which is neutral and non-polar, at codon 318 of the SIK1 protein (p.Asp318Ala).